The following is an entry in ClinVar:

NM_015158.5(KANK1):c.190C>T (p.Gln64Ter)

Gene: KANK1 (KN motif and ankyrin repeat domains 1; plus strand). Cytogenetic location: 9p24.3.
Variant type: single nucleotide variant.
Coding change: c.190C>T on transcript NM_015158.5 (MANE Select); coding-DNA position 190, C replaced by T.
Protein change: p.Gln64Ter; replaces glutamine 64 with a stop codon.
Molecular consequence: nonsense. On other transcripts: 5 prime UTR variant (13), non-coding transcript variant (1).
Genome position (GRCh38, 1-based): chr9:710,956, C>T. VCF-style: chr9-710956-C-T. GRCh37 (hg19) VCF-style: chr9-710956-C-T.
Other names: c.190C>T, p.Gln64Ter (NM_001256876.3, NM_001256877.3, NM_001354331.2 and 3 more transcripts); c.-285C>T (NM_001354333.2, NM_001354335.2, NM_001354336.2 and 10 more transcripts); short protein forms Q64*.
Identifiers: ClinVar variation 4761767 (VCV004761767.1).

ClinVar aggregate classification (germline): Uncertain significance (1 of 4 stars; one submission).

gnomAD v4.1: 3 of 1,614,140 alleles (0.00019%); highest among the groups gnomAD compares: Admixed American, 0.005%; no homozygotes.

Submission:

Labcorp Genetics (formerly Invitae), Labcorp
Classification: Uncertain significance. Last evaluated: 2025-11-23. Review status: criteria provided, single submitter. Criteria: Invitae Variant Classification Sherloc (09022015). Collection method: clinical testing. Allele origin: germline.
Comment: This sequence change creates a premature translational stop signal (p.Gln64*) in the KANK1 gene. It is expected to result in an absent or disrupted protein product. However, the current clinical and genetic evidence is not sufficient to establish whether loss-of-function variants in KANK1 cause disease. This variant is present in population databases (rs758191942, gnomAD 0.009%). This variant has not been reported in the literature in individuals affected with KANK1-related conditions. In summary, the available evidence is currently insufficient to determine the role of this variant in disease. Therefore, it has been classified as a Variant of Uncertain Significance.